The following is an entry in ClinVar:

ClinVar aggregate classification (germline): Uncertain significance (1 of 4 stars; one submission).

Conditions:
Hereditary cancer-predisposing syndrome. Also called: Hereditary neoplastic syndrome; Neoplastic Syndromes, Hereditary; Tumor predisposition; Hereditary Cancer Syndrome. Identifiers: Orphanet 140162, MedGen C0027672, MeSH D009386, MONDO:0015356.

gnomAD v4.1: 1 of 1,614,054 alleles (0.000062%); highest among the groups gnomAD compares: South Asian, 0.0011%; no homozygotes.

Submission:

Ambry Genetics
Classification: Uncertain significance for Hereditary cancer-predisposing syndrome. Last evaluated: 2025-01-05. Review status: criteria provided, single submitter. Criteria: Ambry Variant Classification Scheme 2023. Collection method: clinical testing. Allele origin: germline.
Comment: The p.D3197E variant (also known as c.9591C>G), located in coding exon 25 of the BRCA2 gene, results from a C to G substitution at nucleotide position 9591. The aspartic acid at codon 3197 is replaced by glutamic acid, an amino acid with highly similar properties. This amino acid position is conserved. In addition, this alteration is predicted to be tolerated by in silico analysis. Based on the available evidence, the clinical significance of this variant remains unclear.

NM_000059.4(BRCA2):c.9591C>G (p.Asp3197Glu)

Gene: BRCA2 (BRCA2 DNA repair associated; plus strand). Cytogenetic location: 13q13.1.
Variant type: single nucleotide variant.
Coding change: c.9591C>G on transcript NM_000059.4 (MANE Select); coding-DNA position 9591, C replaced by G.
Protein change: p.Asp3197Glu; replaces aspartic acid 3197 with glutamic acid.
Molecular consequence: missense variant. On other transcripts: non-coding transcript variant (1).
Genome position (GRCh38, 1-based): chr13:32,396,987, C>G. VCF-style: chr13-32396987-C-G. GRCh37 (hg19) VCF-style: chr13-32971124-C-G.
Other names: c.9495C>G, p.Asp3165Glu (NM_001406719.1); c.9540C>G, p.Asp3180Glu (NM_001406720.1); c.4659C>G, p.Asp1553Glu (NM_001406721.1); c.3174C>G, p.Asp1058Glu (NM_001406722.1); c.9591C>G, p.Asp3197Glu (NM_001432077.1); short protein forms D1553E, D3165E, D3180E, D1058E, D3197E.
Identifiers: ClinVar variation 3825418 (VCV003825418.1).